The following is an entry in ClinVar:

NM_002470.4(MYH3):c.4061G>A (p.Gly1354Asp)

Gene: MYH3 (myosin heavy chain 3; minus strand). Cytogenetic location: 17p13.1.
Variant type: single nucleotide variant.
Coding change: c.4061G>A on transcript NM_002470.4 (MANE Select); coding-DNA position 4061, G replaced by A.
Protein change: p.Gly1354Asp; replaces glycine 1354 with aspartic acid.
Molecular consequence: missense variant.
Genome position (GRCh38, 1-based): chr17:10,635,478, C>T on the plus strand (G>A on the coding strand, the complement: MYH3 is on the minus strand). VCF-style: chr17-10635478-C-T. GRCh37 (hg19) VCF-style: chr17-10538795-C-T.
Other names: short protein forms G1354D.
Identifiers: ClinVar variation 2574557 (VCV002574557.4), dbSNP rs2074205483, ClinGen allele CA398145123.

ClinVar aggregate classification (germline): Uncertain significance. Review status: criteria provided, multiple submitters, no conflicts (2 of 4 stars). 2 submissions from 2 submitters: Uncertain significance (2). Last evaluated 2023-01-26.

Allele frequency attached by ClinVar (database versions not stated): gnomAD 0.00001.
gnomAD v4.1: 2 of 1,614,086 alleles (0.00012%); highest among the groups gnomAD compares: Admixed American, 0.0017%; no homozygotes.

Submissions (2):

GeneDx
Classification: Uncertain significance. Last evaluated: 2023-01-26. Review status: criteria provided, single submitter. Criteria: GeneDx Variant Classification Process June 2021. Collection method: clinical testing. Allele origin: germline. Affected: yes.
Comment: Not observed at significant frequency in large population cohorts (gnomAD); In silico analysis supports that this missense variant has a deleterious effect on protein structure/function; Has not been previously published as pathogenic or benign to our knowledge

Labcorp Genetics (formerly Invitae), Labcorp
Classification: Uncertain significance. Last evaluated: 2023-01-05. Review status: criteria provided, single submitter. Criteria: Invitae Variant Classification Sherloc (09022015). Collection method: clinical testing. Allele origin: germline.
Comment: In summary, the available evidence is currently insufficient to determine the role of this variant in disease. Therefore, it has been classified as a Variant of Uncertain Significance. Advanced modeling of protein sequence and biophysical properties (such as structural, functional, and spatial information, amino acid conservation, physicochemical variation, residue mobility, and thermodynamic stability) performed at Invitae indicates that this missense variant is not expected to disrupt MYH3 protein function. This variant has not been reported in the literature in individuals affected with MYH3-related conditions. This variant is not present in population databases (gnomAD no frequency). This sequence change replaces glycine, which is neutral and non-polar, with aspartic acid, which is acidic and polar, at codon 1354 of the MYH3 protein (p.Gly1354Asp).